The following is an entry in ClinVar:

NM_152564.5(VPS13B):c.4034A>G (p.Lys1345Arg)

Gene: VPS13B (vacuolar protein sorting 13 homolog B; plus strand). Cytogenetic location: 8q22.2.
Variant type: single nucleotide variant.
Coding change: c.4034A>G on transcript NM_152564.5 (MANE Select); coding-DNA position 4034, A replaced by G.
Protein change: p.Lys1345Arg; replaces lysine 1345 with arginine.
Molecular consequence: missense variant.
Genome position (GRCh38, 1-based): chr8:99,501,850, A>G. VCF-style: chr8-99501850-A-G. GRCh37 (hg19) VCF-style: chr8-100514078-A-G.
Other names: c.4034A>G, p.Lys1345Arg (NM_017890.5); short protein forms K1345R.
Identifiers: ClinVar variation 2154305 (VCV002154305.5), dbSNP rs1440678043, ClinGen allele CA371869784.

ClinVar aggregate classification (germline): Uncertain significance. Review status: criteria provided, multiple submitters, no conflicts (2 of 4 stars). 2 submissions from 2 submitters: Uncertain significance (2). Last evaluated 2026-06-04.

Conditions:
VPS13B-related disorder. Also called: VPS13B-related condition.
Cohen syndrome (COH1). Also called: PEPPER SYNDROME; Cutis verticis gyrata, retinitis pigmentosa, and sensorineural deafness. Identifiers: Orphanet 193, MedGen C0265223, MONDO:0008999, OMIM 216550.

Allele frequency attached by ClinVar (database versions not stated): gnomAD 0.00001; gnomAD exomes 0.00001; TOPMed 0.00001.
gnomAD v4.1: 14 of 1,613,682 alleles (0.00087%); highest among the groups gnomAD compares: Non-Finnish European, 0.0011%; no homozygotes.

Submissions (2):

PreventionGenetics, part of Exact Sciences
Classification: Uncertain significance for VPS13B-related condition. Last evaluated: 2026-06-04. Review status: criteria provided, single submitter. Criteria: ACMG Guidelines, 2015. Collection method: clinical testing. Allele origin: germline.
Comment: The VPS13B c.4034A>G variant is predicted to result in the amino acid substitution p.Lys1345Arg. To our knowledge, this variant has not been reported in the literature. This variant is reported in 1 out of ~251,300 alleles in gnomAD. At this time, the clinical significance of this variant is uncertain due to the absence of conclusive functional and genetic evidence.

Labcorp Genetics (formerly Invitae), Labcorp
Classification: Uncertain significance for Cohen syndrome. Last evaluated: 2024-06-23. Review status: criteria provided, single submitter. Criteria: Invitae Variant Classification Sherloc (09022015). Collection method: clinical testing. Allele origin: germline.
Comment: This sequence change replaces lysine, which is basic and polar, with arginine, which is basic and polar, at codon 1345 of the VPS13B protein (p.Lys1345Arg). This variant is present in population databases (no rsID available, gnomAD no frequency). This variant has not been reported in the literature in individuals affected with VPS13B-related conditions. ClinVar contains an entry for this variant (Variation ID: 2154305). Advanced modeling of protein sequence and biophysical properties (such as structural, functional, and spatial information, amino acid conservation, physicochemical variation, residue mobility, and thermodynamic stability) performed at Invitae indicates that this missense variant is not expected to disrupt VPS13B protein function with a negative predictive value of 80%. In summary, the available evidence is currently insufficient to determine the role of this variant in disease. Therefore, it has been classified as a Variant of Uncertain Significance.